The following is an entry in ClinVar:

NM_014795.4(ZEB2):c.2141C>T (p.Pro714Leu)

Gene: ZEB2 (zinc finger E-box binding homeobox 2; minus strand). Cytogenetic location: 2q22.3.
Variant type: single nucleotide variant.
Coding change: c.2141C>T on transcript NM_014795.4 (MANE Select); coding-DNA position 2141, C replaced by T.
Protein change: p.Pro714Leu; replaces proline 714 with leucine.
Molecular consequence: missense variant.
Genome position (GRCh38, 1-based): chr2:144,399,046, G>A on the plus strand (C>T on the coding strand, the complement: ZEB2 is on the minus strand). VCF-style: chr2-144399046-G-A. GRCh37 (hg19) VCF-style: chr2-145156613-G-A.
Other names: p.P714L:CCG>CTG; c.2069C>T, p.Pro690Leu (NM_001171653.2); short protein forms P714L, P690L.
Identifiers: ClinVar variation 95627 (VCV000095627.89), dbSNP rs112581563, ClinGen allele CA148674.

ClinVar aggregate classification (germline): Benign/Likely benign. Review status: criteria provided, multiple submitters, no conflicts (2 of 4 stars). 14 submissions from 14 submitters: Benign (7); Likely benign (4). 3 of the submissions do not count toward it. Last evaluated 2026-08-01.

Conditions:
ZEB2-related disorder. Also called: ZEB2-related condition.
Inborn genetic diseases. Identifiers: MedGen C0950123, MeSH D030342.
Mowat-Wilson syndrome (MOWS). Also called: Classic Mowat-Wilson Syndrome. Identifiers: Orphanet 2152, MedGen C1856113, MONDO:0009341, OMIM 235730.

Allele frequency attached by ClinVar (database versions not stated): 1000 Genomes Project 0.00040; TOPMed 0.00199; ExAC 0.00287; gnomAD 0.00281 and 0.00267; gnomAD exomes 0.00317 and 0.00276; 1000 Genomes Project 30x 0.00031; ESP Exome Variant Server 0.00200.
gnomAD v4.1: 5,013 of 1,614,076 alleles (0.31%); highest among the groups gnomAD compares: Non-Finnish European, 0.35%; 11 homozygotes.

Submissions (14):

CeGaT Center for Human Genetics Tuebingen
Classification: Likely benign. Last evaluated: 2026-08-01. Review status: criteria provided, single submitter. Criteria: CeGaT Center For Human Genetics Tuebingen Variant Classification Criteria Version 2. Collection method: clinical testing. Allele origin: germline. Affected: yes. Observed: 13 variant alleles.
Comment: ZEB2: PP2, BP4, BS1

Labcorp Genetics (formerly Invitae), Labcorp
Classification: Benign for Mowat-Wilson syndrome. Last evaluated: 2026-01-31. Review status: criteria provided, single submitter. Criteria: Invitae Variant Classification Sherloc (09022015). Collection method: clinical testing. Allele origin: germline.

Blueprint Genetics
Classification: Likely benign. Last evaluated: 2024-11-14. Review status: criteria provided, single submitter. Criteria: ACMG Guidelines, 2015. Collection method: clinical testing. Allele origin: germline.

Ambry Genetics
Classification: Benign for Inborn genetic diseases. Last evaluated: 2022-02-25. Review status: criteria provided, single submitter. Criteria: Ambry Variant Classification Scheme 2023. Collection method: clinical testing. Allele origin: germline.

Genome-Nilou Lab
Classification: Benign for Mowat-Wilson syndrome. Last evaluated: 2021-11-07. Review status: criteria provided, single submitter. Criteria: ACMG Guidelines, 2015. Collection method: clinical testing. Allele origin: germline. Affected: no.

Fulgent Genetics
Classification: Likely benign for Mowat-Wilson syndrome. Last evaluated: 2021-07-29. Review status: criteria provided, single submitter. Criteria: ACMG Guidelines, 2015. Collection method: clinical testing. Allele origin: unknown.

Center for Pediatric Genomic Medicine, Children's Mercy Hospital and Clinics
Classification: Benign. Last evaluated: 2017-01-27. Review status: criteria provided, single submitter. Criteria: ACMG Guidelines, 2015. Collection method: clinical testing. Allele origin: germline.

GeneDx
Classification: Benign. Last evaluated: 2013-09-16. Review status: criteria provided, single submitter. Criteria: GeneDx Variant Classification (06012015). Collection method: clinical testing. Allele origin: germline. Affected: yes.
Comment: This variant is considered likely benign or benign based on one or more of the following criteria: it is a conservative change, it occurs at a poorly conserved position in the protein, it is predicted to be benign by multiple in silico algorithms, and/or has population frequency not consistent with disease.

Genetic Services Laboratory, University of Chicago
Classification: Benign. Last evaluated: 2013-02-08. Review status: criteria provided, single submitter. Criteria: ACMG Guidelines, 2007. Collection method: clinical testing. Allele origin: germline. Inheritance: Autosomal dominant inheritance.

Eurofins Ntd Llc (ga)
Classification: Benign. Last evaluated: 2012-08-03. Review status: criteria provided, single submitter. Criteria: EGL Classification Definitions 2015. Collection method: clinical testing. Allele origin: germline. Observed: 4 variant alleles, 4 heterozygotes.

Breakthrough Genomics
Classification: Likely benign. Review status: criteria provided, single submitter. Criteria: ACMG Guidelines, 2015. Collection method: not provided. Allele origin: germline. Inheritance: Autosomal dominant inheritance. Affected: yes.

PreventionGenetics, part of Exact Sciences
Classification: Benign for ZEB2-related condition. Last evaluated: 2024-06-03. Review status: no assertion criteria provided. Collection method: clinical testing. Allele origin: germline. Not counted in ClinVar's aggregate classification.
Comment: This variant is classified as benign based on ACMG/AMP sequence variant interpretation guidelines (Richards et al. 2015 PMID: 25741868, with internal and published modifications).

Clinical Genetics DNA and cytogenetics Diagnostics Lab, Erasmus MC, Erasmus Medical Center
Classification: Likely benign. Review status: no assertion criteria provided. Collection method: clinical testing. Allele origin: germline. Affected: yes. Study: VKGL Data-share Consensus. Not counted in ClinVar's aggregate classification.

Genome Diagnostics Laboratory, University Medical Center Utrecht
Classification: Likely benign. Review status: no assertion criteria provided. Collection method: clinical testing. Allele origin: germline. Affected: yes. Study: VKGL Data-share Consensus. Not counted in ClinVar's aggregate classification.

Literature cited by the submitters: PubMed 16053902 (cited by Ambry Genetics); PubMed 25931334 (cited by Ambry Genetics).